The following is an entry in ClinVar:

ClinVar aggregate classification (germline): Pathogenic (1 of 4 stars; one submission).

Submission:

GeneDx
Classification: Pathogenic. Last evaluated: 2019-01-04. Review status: criteria provided, single submitter. Criteria: GeneDx Variant Classification (06012015). Collection method: clinical testing. Allele origin: germline. Affected: yes.
Comment: The Q424X variant in the NFIA gene has not been reported previously as a pathogenic variant nor as a benign variant, to our knowledge. This variant is predicted to cause loss of normal protein function either through protein truncation or nonsense-mediated mRNA decay. The Q424X variant is not observed in large population cohorts (Lek et al., 2016). We interpret Q424X as a pathogenic variant.

NM_001134673.4(NFIA):c.1270C>T (p.Gln424Ter)

Gene: NFIA (nuclear factor I A; plus strand). Cytogenetic location: 1p31.3.
Variant type: single nucleotide variant.
Coding change: c.1270C>T on transcript NM_001134673.4 (MANE Select); coding-DNA position 1270, C replaced by T.
Protein change: p.Gln424Ter; replaces glutamine 424 with a stop codon.
Molecular consequence: nonsense.
Genome position (GRCh38, 1-based): chr1:61,406,577, C>T. VCF-style: chr1-61406577-C-T. GRCh37 (hg19) VCF-style: chr1-61872249-C-T.
Other names: c.1246C>T, p.Gln416Ter (NM_001145511.2); c.1405C>T, p.Gln469Ter (NM_001145512.2); c.1270C>T, p.Gln424Ter (NM_005595.5); short protein forms Q416*, Q424*, Q469*.
Identifiers: ClinVar variation 620518 (VCV000620518.1), dbSNP rs1557762822, ClinGen allele CA340589438.